The following is an entry in ClinVar:

ClinVar aggregate classification (germline): Pathogenic (1 of 4 stars; one submission).

Conditions:
Neurofibromatosis, type 1 (NF1). Also called: Neurofibromatosis, type I; VON RECKLINGHAUSEN DISEASE; NEUROFIBROMATOSIS, TYPE I, SOMATIC; Peripheral type neurofibromatosis. Identifiers: Orphanet 636, MedGen C0027831, MONDO:0018975, OMIM 162200. Disease mechanism: loss of function.

Submission:

Labcorp Genetics (formerly Invitae), Labcorp
Classification: Pathogenic for Neurofibromatosis, type 1. Last evaluated: 2025-02-12. Review status: criteria provided, single submitter. Criteria: Invitae Variant Classification Sherloc (09022015). Collection method: clinical testing. Allele origin: germline.
Comment: This sequence change creates a premature translational stop signal (p.Leu204Glnfs*7) in the NF1 gene. It is expected to result in an absent or disrupted protein product. Loss-of-function variants in NF1 are known to be pathogenic (PMID: 10712197, 23913538). This variant is not present in population databases (gnomAD no frequency). This variant has not been reported in the literature in individuals affected with NF1-related conditions. ClinVar contains an entry for this variant (Variation ID: 1455533). For these reasons, this variant has been classified as Pathogenic.

Literature cited by the submitters: PubMed 10712197; PubMed 23913538.

NM_001042492.3(NF1):c.611del (p.Leu204fs)

Gene: NF1 (neurofibromin 1; plus strand). Cytogenetic location: 17q11.2.
Variant type: Deletion.
Coding change: c.611del on transcript NM_001042492.3 (MANE Select); coding-DNA position 611, one base deleted (T; older notation c.611delT).
Protein change: p.Leu204fs; shifts the reading frame from leucine 204.
Molecular consequence: frameshift variant.
Genome position (GRCh38, 1-based): chr17:31,181,446, T deleted. VCF-style (leftmost placement, unchanged base first): chr17-31181445-CT-C. GRCh37 (hg19) VCF-style: chr17-29508463-CT-C.
Other names: c.611delT, p.Leu204Glnfs (NM_000267.4); c.611del, p.Leu204fs (NM_001128147.3); short protein forms L204fs.
Identifiers: ClinVar variation 1455533 (VCV001455533.6), dbSNP rs2143774183, ClinGen allele CA2573153560.